The following is an entry in ClinVar:

ClinVar aggregate classification (germline): Likely benign. Review status: criteria provided, multiple submitters, no conflicts (2 of 4 stars). 2 submissions from 2 submitters: Likely benign (2). Last evaluated 2026-08-01.

gnomAD v4.1: 623 of 1,612,896 alleles (0.039%); highest among the groups gnomAD compares: South Asian, 0.12%; 2 homozygotes.

Submissions (2):

CeGaT Center for Human Genetics Tuebingen
Classification: Likely benign. Last evaluated: 2026-08-01. Review status: criteria provided, single submitter. Criteria: CeGaT Center For Human Genetics Tuebingen Variant Classification Criteria Version 2. Collection method: clinical testing. Allele origin: germline. Affected: yes. Observed: 1 variant allele.
Comment: TNIK: BP4, BP7

Blueprint Genetics
Classification: Likely benign. Last evaluated: 2024-11-07. Review status: criteria provided, single submitter. Criteria: ACMG Guidelines, 2015. Collection method: clinical testing. Allele origin: germline.

NM_015028.4(TNIK):c.2616C>T (p.Asn872=)

Gene: TNIK (TRAF2 and NCK interacting kinase; minus strand). Cytogenetic location: 3q26.2.
Variant type: single nucleotide variant.
Coding change: c.2616C>T on transcript NM_015028.4 (MANE Select); coding-DNA position 2616, C replaced by T.
Protein change: p.Asn872=; no amino-acid change (asparagine 872 retained).
Molecular consequence: synonymous variant.
Genome position (GRCh38, 1-based): chr3:171,093,944, G>A on the plus strand (C>T on the coding strand, the complement: TNIK is on the minus strand). VCF-style: chr3-171093944-G-A. GRCh37 (hg19) VCF-style: chr3-170811733-G-A.
Other names: c.2592C>T, p.Asn864= (NM_001161560.3); c.2529C>T, p.Asn843= (NM_001161561.3); c.2505C>T, p.Asn835= (NM_001161562.3); c.2451C>T, p.Asn817= (NM_001161563.3); c.2427C>T, p.Asn809= (NM_001161564.3); c.2364C>T, p.Asn788= (NM_001161565.3); c.2340C>T, p.Asn780= (NM_001161566.3).
Identifiers: ClinVar variation 4964995 (VCV004964995.2).
Genomic context (GRCh38, chr3:171,093,944, plus strand): 5'-ACTGTCCGCATGAGAGGTCTCCAGCCCATGCGTCCCCACCATTCCCACATTGTACTGCTC[G>A]TTGCTGCCTGGAGCTCCTGTTGGTCTGAGATGAGAAGGAACAACATTCATGGCAATGTAT-3'
Protein context (NP_055843.1, residues 862-882): RLIPTGAPGS[Asn872=]EQYNVGMVGT